The following is an entry in ClinVar:

ClinVar aggregate classification (germline): Uncertain significance (1 of 4 stars; one submission).

Conditions:
Koolen-de Vries syndrome (KDVS). Identifiers: Orphanet 96169, MedGen C1864871, MONDO:0012496, OMIM 610443.

Allele frequency attached by ClinVar (database versions not stated): gnomAD exomes below 0.00001.
gnomAD v4.1: 1 of 1,576,010 alleles (0.000063%); highest among the groups gnomAD compares: Non-Finnish European, 0.000086%; no homozygotes.

Submission:

Labcorp Genetics (formerly Invitae), Labcorp
Classification: Uncertain significance for Koolen-de Vries syndrome. Last evaluated: 2021-08-19. Review status: criteria provided, single submitter. Criteria: Invitae Variant Classification Sherloc (09022015). Collection method: clinical testing. Allele origin: germline.
Comment: Due to the possible presence of a polymorphic segmental duplication, the location of the variant could not be unambiguously resolved. Variants with ambiguous mapping are still reported relative to the KANSL1 transcript. This sequence change replaces leucine with phenylalanine at codon 176 of the KANSL1 protein (p.Leu176Phe). The leucine residue is highly conserved and there is a small physicochemical difference between leucine and phenylalanine. The frequency data for this variant in the population databases (ExAC) is considered unreliable due to the presence of homologous sequence, such as pseudogenes or paralogs, in the genome. This variant has not been reported in the literature in individuals with KANSL1-related conditions. Algorithms developed to predict the effect of missense changes on protein structure and function are either unavailable or do not agree on the potential impact of this missense change (SIFT: "Deleterious"; PolyPhen-2: "Probably Damaging"; Align-GVGD: "Class C15"). Until the location of this sequence change can be resolved, the clinical significance of this variant remains uncertain. It has been classified as a Variant of Uncertain Significance.

NM_015443.4(KANSL1):c.526C>T (p.Leu176Phe)

Gene: KANSL1 (KAT8 regulatory NSL complex subunit 1). Cytogenetic location: 17q21.31.
Variant type: single nucleotide variant.
Coding change: c.526C>T on transcript NM_015443.4 (MANE Select); coding-DNA position 526, C replaced by T.
Protein change: p.Leu176Phe; replaces leucine 176 with phenylalanine.
Molecular consequence: missense variant.
Genome position (GRCh38, 1-based): chr17:46,171,618, G>A on the plus strand (C>T on the coding strand, the complement: KANSL1 is on the minus strand). VCF-style: chr17-46171618-G-A. GRCh37 (hg19) VCF-style: chr17-44248984-G-A.
Other names: c.526C>T, p.Leu176Phe (NM_001193465.2, NM_001193466.2, NM_001379198.1); short protein forms L176F.
Identifiers: ClinVar variation 1468219 (VCV001468219.1), dbSNP rs2046296742, ClinGen allele CA399981669.
Genomic context (GRCh38, chr17:46,171,618, plus strand): 5'-ATCCTCCCATTTCACCCCCATGAAGAGCAGATGAAGTGAGAGCCCGTTTTCCCCCATTGA[G>A]GGAAGTGGAATTGTCATGATCAGAATGTGTTGAACTTTTAGTCAATTTCTTAGCCAACCC-3'
Protein context (NP_056258.1, residues 166-186): THSDHDNSTS[Leu176Phe]NGGKRALTSS